The following is an entry in ClinVar:

ClinVar aggregate classification (germline): Conflicting classifications of pathogenicity. Review status: criteria provided, conflicting classifications (1 of 4 stars). 5 submissions from 5 submitters: Uncertain significance (1); Benign (1); Likely benign (3). Last evaluated 2026-03-20.

Conditions:
Hereditary cancer-predisposing syndrome. Also called: Tumor predisposition; Hereditary neoplastic syndrome; Neoplastic Syndromes, Hereditary; Hereditary Cancer Syndrome. Identifiers: Orphanet 140162, MedGen C0027672, MeSH D009386, MONDO:0015356.
Tuberous sclerosis 1 (TSC1). Identifiers: Orphanet 805, MedGen C1854465, MONDO:0008612, OMIM 191100.
Tuberous sclerosis syndrome (TSC). Also called: Tuberous Sclerosis Complex; Tuberous sclerosis. Identifiers: Orphanet 805, MedGen C0041341, MONDO:0001734.

Allele frequency attached by ClinVar (database versions not stated): gnomAD 0.00001; ExAC 0.00002; gnomAD exomes 0.00002 and 0.00001; TOPMed 0.00002.
gnomAD v4.1: 11 of 1,614,070 alleles (0.00068%); highest among the groups gnomAD compares: Middle Eastern, 0.016%; no homozygotes.

Submissions (5):

Ambry Genetics
Classification: Benign for Hereditary cancer-predisposing syndrome. Last evaluated: 2026-03-20. Review status: criteria provided, single submitter. Criteria: Ambry Variant Classification Scheme 2023. Collection method: clinical testing. Allele origin: germline.

Labcorp Genetics (formerly Invitae), Labcorp
Classification: Likely benign for Tuberous sclerosis 1. Last evaluated: 2025-12-10. Review status: criteria provided, single submitter. Criteria: Invitae Variant Classification Sherloc (09022015). Collection method: clinical testing. Allele origin: germline.

All of Us Research Program, National Institutes of Health
Classification: Uncertain significance for Tuberous sclerosis syndrome. Last evaluated: 2024-09-23. Review status: criteria provided, single submitter. Criteria: ACMG Guidelines, 2015. Collection method: clinical testing. Allele origin: germline. Inheritance: Autosomal dominant inheritance. Observed: 5 variant alleles, 5 heterozygotes.
Comment: This study involves interpretation of variants in research participants for the purpose of population health screening. Participant phenotype was not available at the time of variant classification. Additional details can be found in publication PMID: 35346344, PMCID: PMC8962531

Myriad Genetics, Inc.
Classification: Likely benign for Tuberous sclerosis 1. Last evaluated: 2024-08-16. Review status: criteria provided, single submitter. Criteria: Myriad Autosomal Dominant, Autosomal Recessive and X-Linked Classification Criteria (2023). Collection method: clinical testing. Allele origin: unknown.
Comment: This variant is considered likely benign. This variant has been observed at a population frequency that is significantly greater than expected given the associated disease prevalence and penetrance.

Genome-Nilou Lab
Classification: Likely benign for Tuberous sclerosis 1. Last evaluated: 2021-11-07. Review status: criteria provided, single submitter. Criteria: ACMG Guidelines, 2015. Collection method: clinical testing. Allele origin: germline. Affected: no.

NM_000368.5(TSC1):c.3185G>A (p.Arg1062Gln)

Gene: TSC1 (TSC complex subunit 1; minus strand). Cytogenetic location: 9q34.13.
Variant type: single nucleotide variant.
Coding change: c.3185G>A on transcript NM_000368.5 (MANE Select); coding-DNA position 3185, G replaced by A.
Protein change: p.Arg1062Gln; replaces arginine 1062 with glutamine.
Molecular consequence: missense variant.
Genome position (GRCh38, 1-based): chr9:132,896,545, C>T on the plus strand (G>A on the coding strand, the complement: TSC1 is on the minus strand). VCF-style: chr9-132896545-C-T. GRCh37 (hg19) VCF-style: chr9-135771932-C-T.
Other names: c.3182G>A, p.Arg1061Gln (NM_001162426.2); c.3032G>A, p.Arg1011Gln (NM_001162427.2); c.2822G>A, p.Arg941Gln (NM_001362177.2); short protein forms R1062Q, R1011Q, R1061Q, R941Q.
Identifiers: ClinVar variation 466123 (VCV000466123.23), dbSNP rs755396992, ClinGen allele CA036127.